The following is an entry in ClinVar:

NM_000069.3(CACNA1S):c.2761A>G (p.Met921Val)

Gene: CACNA1S (calcium voltage-gated channel subunit alpha1 S; minus strand). Cytogenetic location: 1q32.1.
Variant type: single nucleotide variant.
Coding change: c.2761A>G on transcript NM_000069.3 (MANE Select); coding-DNA position 2761, A replaced by G.
Protein change: p.Met921Val; replaces methionine 921 with valine.
Molecular consequence: missense variant.
Genome position (GRCh38, 1-based): chr1:201,065,930, T>C on the plus strand (A>G on the coding strand, the complement: CACNA1S is on the minus strand). VCF-style: chr1-201065930-T-C. GRCh37 (hg19) VCF-style: chr1-201035058-T-C.
Other names: short protein forms M921V.
Identifiers: ClinVar variation 4758333 (VCV004758333.1).

ClinVar aggregate classification (germline): Uncertain significance (1 of 4 stars; one submission).

Conditions:
Malignant hyperthermia, susceptibility to, 5 (MHS5). Also called: CACNA1S-Related Malignant Hyperthermia Susceptibility. Identifiers: Orphanet 423, MedGen C1866077, MONDO:0011163, OMIM 601887.

gnomAD v4.1: 3 of 1,612,734 alleles (0.00019%); highest among the groups gnomAD compares: South Asian, 0.0022%; no homozygotes.

Submission:

Color Diagnostics, LLC DBA Color Health
Classification: Uncertain significance for Malignant hyperthermia, susceptibility to, 5. Last evaluated: 2025-07-25. Review status: criteria provided, single submitter. Criteria: ACMG Guidelines, 2015. Collection method: clinical testing. Allele origin: germline.
Comment: This missense variant replaces methionine with valine at codon 921 of the CACNA1S protein. Computational prediction suggests that this variant may not impact protein structure and function. To our knowledge, functional studies have not been reported for this variant. This variant has not been reported in individuals affected with CACNA1S-related disorders in the literature. This variant has been identified in 1/249874 chromosomes in the general population by the Genome Aggregation Database (gnomAD). The available evidence is insufficient to determine the role of this variant in disease conclusively. Therefore, this variant is classified as a Variant of Uncertain Significance.